The following is an entry in ClinVar:

NM_001378778.1(MPDZ):c.779T>A (p.Leu260Ter)

Gene: MPDZ (multiple PDZ domain crumbs cell polarity complex component; minus strand). Cytogenetic location: 9p23.
Variant type: single nucleotide variant.
Coding change: c.779T>A on transcript NM_001378778.1 (MANE Select); coding-DNA position 779, T replaced by A.
Protein change: p.Leu260Ter; replaces leucine 260 with a stop codon.
Molecular consequence: nonsense.
Genome position (GRCh38, 1-based): chr9:13,221,469, A>T on the plus strand (T>A on the coding strand, the complement: MPDZ is on the minus strand). VCF-style: chr9-13221469-A-T. GRCh37 (hg19) VCF-style: chr9-13221468-A-T.
Other names: c.779T>A, p.Leu260Ter (NM_001261406.2, NM_001261407.2, NM_001330637.2 and 14 more transcripts); short protein forms L260*.
Identifiers: ClinVar variation 2028458 (VCV002028458.4), dbSNP rs1220735820, ClinGen allele CA372946489.

ClinVar aggregate classification (germline): Pathogenic (1 of 4 stars; one submission).

Allele frequency attached by ClinVar (database versions not stated): gnomAD exomes below 0.00001.
gnomAD v4.1: 1 of 1,610,894 alleles (0.000062%); no homozygotes.

Submission:

Labcorp Genetics (formerly Invitae), Labcorp
Classification: Pathogenic. Last evaluated: 2022-09-01. Review status: criteria provided, single submitter. Criteria: Invitae Variant Classification Sherloc (09022015). Collection method: clinical testing. Allele origin: germline.
Comment: This variant has not been reported in the literature in individuals affected with MPDZ-related conditions. For these reasons, this variant has been classified as Pathogenic. This variant is present in population databases (no rsID available, gnomAD 0.004%). This sequence change creates a premature translational stop signal (p.Leu260*) in the MPDZ gene. It is expected to result in an absent or disrupted protein product. Loss-of-function variants in MPDZ are known to be pathogenic (PMID: 23240096, 28556411).

Literature cited by the submitters: PubMed 23240096; PubMed 28556411.